The following is an entry in ClinVar:

ClinVar aggregate classification (germline): Pathogenic (1 of 4 stars; one submission).

Conditions:
Townes-Brocks syndrome 1 (TBS1). Also called: SALL1-Related Townes-Brocks Syndrome; DEAFNESS, SENSORINEURAL, WITH IMPERFORATE ANUS AND THUMB ANOMALIES; REAR SYNDROME; RENAL-EAR-ANAL-RADIAL SYNDROME. Identifiers: Orphanet 857, MedGen C4551481, MONDO:0054581, OMIM 107480.

Submission:

Centre de Biologie Pathologie Génétique, Centre Hospitalier Universitaire de Lille
Classification: Pathogenic for Townes-Brocks syndrome 1. Last evaluated: 2025-02-27. Review status: criteria provided, single submitter. Criteria: ACMG Guidelines, 2015. Collection method: clinical testing. Allele origin: inherited. Inheritance: Autosomal dominant inheritance. Affected: yes.
Comment: PVS1 + PM2 + PP4 + PP1

NM_002968.3(SALL1):c.1146_1152dup (p.Ser385fs)

Gene: SALL1 (spalt like transcription factor 1; minus strand). Cytogenetic location: 16q12.1.
Variant type: Duplication.
Coding change: c.1146_1152dup on transcript NM_002968.3 (MANE Select); coding-DNA positions 1146 to 1152, 7 bases duplicated (TTTATTA; older notation c.1146_1152dupTTTATTA).
Protein change: p.Ser385fs; shifts the reading frame from serine 385.
Molecular consequence: frameshift variant.
Genome position (GRCh38, 1-based): chr16:51,141,070-51,141,076, TAATAAA duplicated on the plus strand (TTTATTA on the coding strand, the reverse complement: SALL1 is on the minus strand). VCF-style (leftmost placement, unchanged base first): chr16-51141069-T-TTAATAAA. GRCh37 (hg19) VCF-style: chr16-51174980-T-TTAATAAA.
Other names: c.855_861dup, p.Ser288fs (NM_001127892.2); short protein forms S288fs, S385fs.
Identifiers: ClinVar variation 3765520 (VCV003765520.1).